The following is an entry in ClinVar:

ClinVar aggregate classification (germline): Uncertain significance (1 of 4 stars; one submission).

Submission:

Women's Health and Genetics/Laboratory Corporation of America, LabCorp
Classification: Uncertain significance. Last evaluated: 2026-04-24. Review status: criteria provided, single submitter. Criteria: LabCorp Variant Classification Summary - May 2015. Collection method: clinical testing. Allele origin: germline.
Comment: Variant summary: The variant involves the deletion of exon 21 in the AHI1 gene. A presumed nomenclature of c.(2961+1_2962-1)_(2988+1_2989-1)del has been designated for the purposes of this classification. This Copy Number Variant (CNV) is predicted to result in an in-frame deletion within this gene. Loss-of-function variants in this gene are known to be pathogenic. The variant was absent in 21120 control chromosomes. The available data on variant occurrences in the general population are insufficient to allow any conclusion about variant significance. To our knowledge, no occurrence of c.(2961+1_2962-1)_(2988+1_2989-1)del in individuals affected with AHI1-related conditions and no experimental evidence demonstrating its impact on protein function have been reported. ClinVar contains an entry for this variant (Variation ID: 58830). Based on the evidence outlined above, the variant was classified as uncertain significance.

NC_000006.11:g.(135716035_135726088)_(135726116_135732485)del

Gene: AHI1 (Abelson helper integration site 1; minus strand). Cytogenetic location: 6q23.3.
Variant type: Deletion.
Identifiers: ClinVar variation 4849114 (VCV004849114.1).